The following is an entry in ClinVar:

NM_182641.4(BPTF):c.1864+710C>G

Gene: BPTF (bromodomain PHD finger transcription factor; plus strand). Cytogenetic location: 17q24.2.
Variant type: single nucleotide variant.
Coding change: c.1864+710C>G on transcript NM_182641.4 (MANE Select); 710 bases into the intron after coding-DNA position 1864, C replaced by G.
Molecular consequence: intron variant. On other transcripts: missense variant (1).
Genome position (GRCh38, 1-based): chr17:67,875,730, C>G. VCF-style: chr17-67875730-C-G. GRCh37 (hg19) VCF-style: chr17-65871846-C-G.
Other names: c.2039C>G, p.Pro680Arg (NM_004459.7); short protein forms P680R.
Identifiers: ClinVar variation 3365838 (VCV003365838.1).

ClinVar aggregate classification (germline): Uncertain significance (1 of 4 stars; one submission).

Submission:

GeneDx
Classification: Uncertain significance. Last evaluated: 2023-12-15. Review status: criteria provided, single submitter. Criteria: GeneDx Variant Classification Process June 2021. Collection method: clinical testing. Allele origin: germline. Affected: yes.
Comment: Not observed at significant frequency in large population cohorts (gnomAD); In silico analysis supports that this missense variant has a deleterious effect on protein structure/function; Has not been previously published as pathogenic or benign to our knowledge